The following is an entry in ClinVar:

ClinVar aggregate classification (germline): Likely pathogenic. Review status: criteria provided, single submitter (1 of 4 stars). 2 submissions from 2 submitters: Likely pathogenic (1). 1 of the submissions does not count toward it. Last evaluated 2022-06-27.

Conditions:
Walker-Warburg congenital muscular dystrophy. Also called: Muscular dystrophy-dystroglycanopathy, type A; Walker-Warburg syndrome. Identifiers: Orphanet 899, MedGen C0265221, MONDO:0000171.

Submissions (2):

Labcorp Genetics (formerly Invitae), Labcorp
Classification: Likely pathogenic for Walker-Warburg congenital muscular dystrophy. Last evaluated: 2022-06-27. Review status: criteria provided, single submitter. Criteria: Invitae Variant Classification Sherloc (09022015). Collection method: clinical testing. Allele origin: germline.
Comment: This sequence change replaces arginine, which is basic and polar, with glycine, which is neutral and non-polar, at codon 307 of the FKTN protein (p.Arg307Gly). This variant is not present in population databases (gnomAD no frequency). This variant has not been reported in the literature in individuals affected with FKTN-related conditions. ClinVar contains an entry for this variant (Variation ID: 528827). Advanced modeling of protein sequence and biophysical properties (such as structural, functional, and spatial information, amino acid conservation, physicochemical variation, residue mobility, and thermodynamic stability) performed at Invitae indicates that this missense variant is expected to disrupt FKTN protein function. Algorithms developed to predict the effect of sequence changes on RNA splicing suggest that this variant may create or strengthen a splice site. This variant disrupts the p.Arg307 amino acid residue in FKTN. Other variant(s) that disrupt this residue have been determined to be pathogenic (PMID: 17044012, 19179078, 19396839, 25821721, 26923585, 30060766). This suggests that this residue is clinically significant, and that variants that disrupt this residue are likely to be disease-causing. In summary, the currently available evidence indicates that the variant is pathogenic, but additional data are needed to prove that conclusively. Therefore, this variant has been classified as Likely Pathogenic.

Natera, Inc.
Classification: Uncertain significance for Walker-Warburg congenital muscular dystrophy. Last evaluated: 2020-07-25. Review status: no assertion criteria provided. Collection method: clinical testing. Allele origin: germline. Not counted in ClinVar's aggregate classification.

Literature cited by the submitters: PubMed 17044012 (cited by Labcorp Genetics (formerly Invitae), Labcorp); PubMed 19179078 (cited by Labcorp Genetics (formerly Invitae), Labcorp); PubMed 19396839 (cited by Labcorp Genetics (formerly Invitae), Labcorp); PubMed 25821721 (cited by Labcorp Genetics (formerly Invitae), Labcorp); PubMed 26923585 (cited by Labcorp Genetics (formerly Invitae), Labcorp); PubMed 30060766 (cited by Labcorp Genetics (formerly Invitae), Labcorp).

NM_001079802.2(FKTN):c.919C>G (p.Arg307Gly)

Gene: FKTN (fukutin; plus strand). Cytogenetic location: 9q31.2.
Variant type: single nucleotide variant.
Coding change: c.919C>G on transcript NM_001079802.2 (MANE Select); coding-DNA position 919, C replaced by G.
Protein change: p.Arg307Gly; replaces arginine 307 with glycine.
Molecular consequence: missense variant. On other transcripts: non-coding transcript variant (1).
Genome position (GRCh38, 1-based): chr9:105,617,967, C>G. VCF-style: chr9-105617967-C-G. GRCh37 (hg19) VCF-style: chr9-108380248-C-G.
Other names: c.919C>G, p.Arg307Gly (NM_001198963.2, NM_001351496.2, NM_001351498.2 and 1 more transcripts); c.850C>G, p.Arg284Gly (NM_001351497.2); c.523C>G, p.Arg175Gly (NM_001351499.2, NM_001351500.2, NM_001351501.2 and 1 more transcripts); short protein forms R307G, R284G, R175G.
Identifiers: ClinVar variation 528827 (VCV000528827.12), dbSNP rs267606814, ClinGen allele CA374377395.